The following is an entry in ClinVar:

NM_000169.3(GLA):c.596del (p.Val199fs)

Genes: GLA (galactosidase alpha; minus strand), RPL36A-HNRNPH2 (RPL36A-HNRNPH2 readthrough; plus strand). Cytogenetic location: Xq22.1.
Variant type: Deletion.
Coding change: c.596del on transcript NM_000169.3 (MANE Select); coding-DNA position 596, one base deleted (T; older notation c.596delT).
Protein change: p.Val199fs; shifts the reading frame from valine 199.
Molecular consequence: frameshift variant. On other transcripts: non-coding transcript variant (2), intron variant (2).
Genome position (GRCh38, 1-based): chrX:101,400,709, A deleted on the plus strand (T on the coding strand, the reverse complement: GLA is on the minus strand). VCF-style (leftmost placement, unchanged base first): chrX-101400708-CA-C. GRCh37 (hg19) VCF-style: chrX-100655696-CA-C.
Other names: c.719del, p.Val240fs (NM_001406747.1); c.596del, p.Val199fs (NM_001406748.1); c.300+5252del (NM_001199973.2); c.177+8887del (NM_001199974.2); short protein forms V199fs, V240fs.
Identifiers: ClinVar variation 4086981 (VCV004086981.2).

ClinVar aggregate classification (germline): Pathogenic (1 of 4 stars; one submission).

Conditions:
Fabry disease. Also called: ALPHA-GALACTOSIDASE A DEFICIENCY; ANDERSON-FABRY DISEASE; CERAMIDE TRIHEXOSIDASE DEFICIENCY; GLA DEFICIENCY; HEREDITARY DYSTOPIC LIPIDOSIS; Angiokeratoma corporis diffusum. Identifiers: Orphanet 324, MedGen C0002986, MONDO:0010526, OMIM 301500, HP:0001071. Disease mechanism: Fabry disease is due to inactivating mutations in the X-linked GLA gene resulting in deficiency of the enzyme Alpha Galactosidase-A., loss of function.

Submission:

Genomenon, Inc
Classification: Pathogenic for Fabry disease. Last evaluated: 2026-09-08. Review status: criteria provided, single submitter. Criteria: Genomenon Sequence Variant Interpretation Standards - Updated. Collection method: curation. Allele origin: germline. Affected: yes.
Comment: GLA p.Val199GlyfsTer41 (c.596del) is a frameshift variant that is predicted to introduce a premature termination codon and result in a truncated or absent protein product. This variant has been observed in at least one proband with clinical features consistent with Fabry disease (PMID:38892211). It is absent or not present at a significant frequency in gnomAD. In conclusion, we classify GLA p.Val199GlyfsTer41 (c.596del) as a pathogenic variant.

Literature cited by the submitters: PubMed 38892211.